The following is an entry in ClinVar:

NM_033028.5(BBS4):c.28dup (p.Thr10fs)

Gene: BBS4 (Bardet-Biedl syndrome 4; plus strand). Cytogenetic location: 15q24.1.
Variant type: Duplication.
Coding change: c.28dup on transcript NM_033028.5 (MANE Select); coding-DNA position 28, one base duplicated (A; older notation c.28dupA).
Protein change: p.Thr10fs; shifts the reading frame from threonine 10.
Molecular consequence: frameshift variant. On other transcripts: non-coding transcript variant (2), intron variant (1).
Genome position (GRCh38, 1-based): chr15:72,695,180, A duplicated; the last of 2 consecutive A bases (chr15:72,695,179-72,695,180); duplicating either gives the same sequence. VCF-style (leftmost placement, unchanged base first): chr15-72695178-G-GA. GRCh37 (hg19) VCF-style: chr15-72987519-G-GA.
Other names: c.28dup, p.Thr10fs (NM_001320665.2); c.-446+8929dup (NM_001252678.2); short protein forms T10fs.
Identifiers: ClinVar variation 21739 (VCV000021739.3), dbSNP rs113994184, ClinGen allele CA342434.

ClinVar aggregate classification (germline): Benign (0 of 4 stars; one submission).

Conditions:
Bardet-Biedl syndrome (BBS). Identifiers: Orphanet 110, MedGen C0752166, MONDO:0015229.

Submission:

GeneReviews
Classification: Benign for Bardet-Biedl Syndrome. Last evaluated: 2009-10-13. Review status: no assertion criteria provided. Collection method: curation. Allele origin: unknown.
ClinVar note: Converted during submission from benign to Benign.